The following is an entry in ClinVar:

ClinVar aggregate classification (germline): Uncertain significance. Review status: criteria provided, multiple submitters, no conflicts (2 of 4 stars). 2 submissions from 2 submitters: Uncertain significance (2). Last evaluated 2024-07-19.

Conditions:
Hereditary cancer-predisposing syndrome. Also called: Neoplastic Syndromes, Hereditary; Tumor predisposition; Hereditary Cancer Syndrome; Hereditary neoplastic syndrome. Identifiers: Orphanet 140162, MedGen C0027672, MeSH D009386, MONDO:0015356.

Allele frequency attached by ClinVar (database versions not stated): gnomAD exomes below 0.00001.
gnomAD v4.1: 1 of 1,613,252 alleles (0.000062%); highest among the groups gnomAD compares: Non-Finnish European, 0.000085%; no homozygotes.

Submissions (2):

Labcorp Genetics (formerly Invitae), Labcorp
Classification: Uncertain significance. Last evaluated: 2024-07-19. Review status: criteria provided, single submitter. Criteria: Invitae Variant Classification Sherloc (09022015). Collection method: clinical testing. Allele origin: germline.
Comment: This sequence change replaces asparagine, which is neutral and polar, with aspartic acid, which is acidic and polar, at codon 2260 of the POLE protein (p.Asn2260Asp). This variant is not present in population databases (gnomAD no frequency). This variant has not been reported in the literature in individuals affected with POLE-related conditions. ClinVar contains an entry for this variant (Variation ID: 1755370). Advanced modeling of protein sequence and biophysical properties (such as structural, functional, and spatial information, amino acid conservation, physicochemical variation, residue mobility, and thermodynamic stability) performed at Invitae indicates that this missense variant is not expected to disrupt POLE protein function with a negative predictive value of 80%. In summary, the available evidence is currently insufficient to determine the role of this variant in disease. Therefore, it has been classified as a Variant of Uncertain Significance.

Ambry Genetics
Classification: Uncertain significance for Hereditary cancer-predisposing syndrome. Last evaluated: 2022-10-22. Review status: criteria provided, single submitter. Criteria: Ambry Variant Classification Scheme 2023. Collection method: clinical testing. Allele origin: germline.
Comment: The p.N2260D variant (also known as c.6778A>G), located in coding exon 49 of the POLE gene, results from an A to G substitution at nucleotide position 6778. The asparagine at codon 2260 is replaced by aspartic acid, an amino acid with highly similar properties. This amino acid position is conserved. In addition, this alteration is predicted to be tolerated by in silico analysis. Since supporting evidence is limited at this time, the clinical significance of this alteration remains unclear.

NM_006231.4(POLE):c.6778A>G (p.Asn2260Asp)

Gene: POLE (DNA polymerase epsilon, catalytic subunit; minus strand). Cytogenetic location: 12q24.33.
Variant type: single nucleotide variant.
Coding change: c.6778A>G on transcript NM_006231.4 (MANE Select); coding-DNA position 6778, A replaced by G.
Protein change: p.Asn2260Asp; replaces asparagine 2260 with aspartic acid.
Molecular consequence: missense variant.
Genome position (GRCh38, 1-based): chr12:132,624,780, T>C on the plus strand (A>G on the coding strand, the complement: POLE is on the minus strand). VCF-style: chr12-132624780-T-C. GRCh37 (hg19) VCF-style: chr12-133201366-T-C.
Other names: short protein forms N2260D.
Identifiers: ClinVar variation 1755370 (VCV001755370.5), dbSNP rs2541832125, ClinGen allele CA387365829.
Genomic context (GRCh38, chr12:132,624,780, plus strand): 5'-TCTGCAGCAGCCACTCCAGGGTCTCCAGGAGGTACGACATGCCGTAGTGCTGGGCAATGT[T>C]CCGGAATATTCCGATCTGTTCCATGAAGACCTGCAGGAATAAACAGGCACAGTGAGACCC-3'
Protein context (NP_006222.2, residues 2250-2270): VFMEQIGIFR[Asn2260Asp]IAQHYGMSYL